The following is an entry in ClinVar:

NM_000088.4(COL1A1):c.751-3C>T

Genes: COL1A1 (collagen type I alpha 1 chain; minus strand), LOC126862586 (CDK7 strongly-dependent group 2 enhancer GRCh37_chr17:48273702-48274901; plus strand). Cytogenetic location: 17q21.33.
Variant type: single nucleotide variant.
Coding change: c.751-3C>T on transcript NM_000088.4 (MANE Select); 3 bases into the intron before coding-DNA position 751, C replaced by T.
Molecular consequence: intron variant.
Genome position (GRCh38, 1-based): chr17:50,197,066, G>A on the plus strand (C>T on the coding strand, the complement: COL1A1 is on the minus strand). VCF-style: chr17-50197066-G-A. GRCh37 (hg19) VCF-style: chr17-48274427-G-A.
Identifiers: ClinVar variation 2182672 (VCV002182672.4), dbSNP rs775914893, ClinGen allele CA8645559.

ClinVar aggregate classification (germline): Uncertain significance (1 of 4 stars; one submission).

Conditions:
Osteogenesis imperfecta type I (OI1). Also called: OI, TYPE I; OSTEOGENESIS IMPERFECTA TARDA; OSTEOGENESIS IMPERFECTA WITH BLUE SCLERAE; Osteogenesis imperfecta type 1; Lobstein's Disease; Lobstein disease. Identifiers: Orphanet 216796, Orphanet 666, MedGen C0023931, MONDO:0008146, OMIM 166200. Disease mechanism: loss of function.

Allele frequency attached by ClinVar (database versions not stated): ExAC 0.00001; gnomAD exomes 0.00001.
gnomAD v4.1: 6 of 1,614,172 alleles (0.00037%); highest among the groups gnomAD compares: Non-Finnish European, 0.00051%; no homozygotes.

Submission:

Labcorp Genetics (formerly Invitae), Labcorp
Classification: Uncertain significance for Osteogenesis imperfecta type I. Last evaluated: 2022-02-19. Review status: criteria provided, single submitter. Criteria: Invitae Variant Classification Sherloc (09022015). Collection method: clinical testing. Allele origin: germline.
Comment: This sequence change falls in intron 10 of the COL1A1 gene. It does not directly change the encoded amino acid sequence of the COL1A1 protein. It affects a nucleotide within the consensus splice site. This variant is present in population databases (rs775914893, gnomAD 0.003%). This variant has not been reported in the literature in individuals affected with COL1A1-related conditions. Variants that disrupt the consensus splice site are a relatively common cause of aberrant splicing (PMID: 17576681, 9536098). Algorithms developed to predict the effect of sequence changes on RNA splicing suggest that this variant is not likely to affect RNA splicing. In summary, the available evidence is currently insufficient to determine the role of this variant in disease. Therefore, it has been classified as a Variant of Uncertain Significance.

Literature cited by the submitters: PubMed 17576681; PubMed 9536098.